The following is an entry in ClinVar:

NM_001458.5(FLNC):c.2747G>A (p.Arg916Gln)

Gene: FLNC (filamin C; plus strand). Cytogenetic location: 7q32.1.
Variant type: single nucleotide variant.
Coding change: c.2747G>A on transcript NM_001458.5 (MANE Select); coding-DNA position 2747, G replaced by A.
Protein change: p.Arg916Gln; replaces arginine 916 with glutamine.
Molecular consequence: missense variant.
Genome position (GRCh38, 1-based): chr7:128,843,513, G>A. VCF-style: chr7-128843513-G-A. GRCh37 (hg19) VCF-style: chr7-128483567-G-A.
Other names: c.2747G>A, p.Arg916Gln (NM_001127487.2); short protein forms R916Q.
Identifiers: ClinVar variation 570761 (VCV000570761.20), dbSNP rs143720860, ClinGen allele CA4474835.

ClinVar aggregate classification (germline): Conflicting classifications of pathogenicity. Review status: criteria provided, conflicting classifications (1 of 4 stars). 6 submissions from 6 submitters: Uncertain significance (2); Likely benign (3). 1 of the submissions does not count toward it. Last evaluated 2026-01-08.

Conditions:
FLNC-related disorder. Also called: FLNC-related condition; FLNC-related disorders.
Cardiovascular phenotype. Identifiers: MedGen CN230736.
Myofibrillar myopathy 5. Also called: Filaminopathy (type); FILAMINOPATHY, AUTOSOMAL DOMINANT. Identifiers: Orphanet 171445, MedGen C1836050, MONDO:0012289, OMIM 609524.
Hypertrophic cardiomyopathy 26. Also called: Cardiomyopathy, familial hypertrophic, 26. Identifiers: Orphanet 75249, MedGen C4310749, MONDO:0014883, OMIM 617047.
Distal myopathy with posterior leg and anterior hand involvement. Also called: WILLIAMS DISTAL MYOPATHY. Identifiers: Orphanet 63273, MedGen C3279722, MONDO:0013550, OMIM 614065.

Allele frequency attached by ClinVar (database versions not stated): gnomAD exomes 0.00002; TOPMed 0.00015; ESP Exome Variant Server 0.00016; gnomAD 0.00016; 1000 Genomes Project 30x 0.00031; 1000 Genomes Project 0.00040.
gnomAD v4.1: 57 of 1,614,000 alleles (0.0035%); highest among the groups gnomAD compares: African/African-American, 0.055%; no homozygotes.

Submissions (6):

Labcorp Genetics (formerly Invitae), Labcorp
Classification: Likely benign for Distal myopathy with posterior leg and anterior hand involvement; Myofibrillar myopathy 5; Hypertrophic cardiomyopathy 26. Last evaluated: 2026-01-08. Review status: criteria provided, single submitter. Criteria: Invitae Variant Classification Sherloc (09022015). Collection method: clinical testing. Allele origin: germline.

Blueprint Genetics
Classification: Likely benign. Last evaluated: 2024-09-16. Review status: criteria provided, single submitter. Criteria: ACMG Guidelines, 2015. Collection method: clinical testing. Allele origin: germline.

Ambry Genetics
Classification: Uncertain significance for Cardiovascular phenotype. Last evaluated: 2024-05-01. Review status: criteria provided, single submitter. Criteria: Ambry Variant Classification Scheme 2023. Collection method: clinical testing. Allele origin: germline.
Comment: The p.R916Q variant (also known as c.2747G>A), located in coding exon 18 of the FLNC gene, results from a G to A substitution at nucleotide position 2747. The arginine at codon 916 is replaced by glutamine, an amino acid with highly similar properties. This amino acid position is not well conserved in available vertebrate species. In addition, this alteration is predicted to be tolerated by in silico analysis. Since supporting evidence is limited at this time, the clinical significance of this alteration remains unclear.

Revvity Omics, Revvity
Classification: Uncertain significance. Last evaluated: 2023-03-03. Review status: criteria provided, single submitter. Criteria: ACMG Guidelines, 2015. Collection method: clinical testing. Allele origin: germline.

GeneDx
Classification: Likely benign. Last evaluated: 2021-02-11. Review status: criteria provided, single submitter. Criteria: GeneDx Variant Classification Process June 2021. Collection method: clinical testing. Allele origin: germline. Affected: yes.

PreventionGenetics, part of Exact Sciences
Classification: Uncertain significance for FLNC-related condition. Last evaluated: 2023-12-24. Review status: no assertion criteria provided. Collection method: clinical testing. Allele origin: germline. Not counted in ClinVar's aggregate classification.
Comment: The FLNC c.2747G>A variant is predicted to result in the amino acid substitution p.Arg916Gln. To our knowledge, this variant has not been reported in the literature. This variant is reported in 0.037% of alleles in individuals of African descent in gnomAD. Although we suspect that this variant may be benign, at this time, the clinical significance of this variant is uncertain due to the absence of conclusive functional and genetic evidence.